The following is an entry in ClinVar:

NM_017849.4(TMEM127):c.426C>T (p.Thr142=)

Gene: TMEM127 (transmembrane protein 127; minus strand). Cytogenetic location: 2q11.2.
Variant type: single nucleotide variant.
Coding change: c.426C>T on transcript NM_017849.4 (MANE Select); coding-DNA position 426, C replaced by T.
Protein change: p.Thr142=; no amino-acid change (threonine 142 retained).
Molecular consequence: synonymous variant.
Genome position (GRCh38, 1-based): chr2:96,254,099, G>A on the plus strand (C>T on the coding strand, the complement: TMEM127 is on the minus strand). VCF-style: chr2-96254099-G-A. GRCh37 (hg19) VCF-style: chr2-96919837-G-A.
Other names: c.426C>T, p.Thr142= (NM_001193304.3).
Identifiers: ClinVar variation 480799 (VCV000480799.26), dbSNP rs552787569, ClinGen allele CA52412228.

ClinVar aggregate classification (germline): Benign/Likely benign. Review status: criteria provided, multiple submitters, no conflicts (2 of 4 stars). 5 submissions from 5 submitters: Benign (2); Likely benign (3). Last evaluated 2026-07-30.

Conditions:
Hereditary cancer-predisposing syndrome. Also called: Tumor predisposition; Neoplastic Syndromes, Hereditary; Hereditary Cancer Syndrome; Hereditary neoplastic syndrome. Identifiers: Orphanet 140162, MedGen C0027672, MeSH D009386, MONDO:0015356.
Hereditary pheochromocytoma and paraganglioma. Also called: Hereditary paragangliomas and pheochromocytomas; Hereditary Paraganglioma-Pheochromocytoma Syndromes; Hereditary pheochromocytoma-paraganglioma. Identifiers: Orphanet 29072, MedGen C4274332, MONDO:0017366.
Pheochromocytoma. Also called: MAX-Related Hereditary Paraganglioma-Pheochromocytoma Syndrome. Identifiers: Orphanet 29072, MedGen C0031511, MONDO:0008233, OMIM 171300, HP:0002666.

Allele frequency attached by ClinVar (database versions not stated): gnomAD 0.00001 and 0.00003; gnomAD exomes 0.00001; TOPMed 0.00002; 1000 Genomes Project 30x 0.00031; 1000 Genomes Project 0.00040.
gnomAD v4.1: 21 of 1,614,034 alleles (0.0013%); highest among the groups gnomAD compares: East Asian, 0.0045%; 1 homozygote.

Submissions (5):

Myriad Genetics, Inc.
Classification: Benign for Hereditary pheochromocytoma and paraganglioma. Last evaluated: 2026-07-30. Review status: criteria provided, single submitter. Criteria: Myriad Autosomal Dominant, Autosomal Recessive and X-Linked Classification Criteria (2023). Collection method: clinical testing. Allele origin: unknown.
Comment: This variant is considered benign. This variant is a silent/synonymous amino acid change and it is not expected to impact splicing.

Labcorp Genetics (formerly Invitae), Labcorp
Classification: Likely benign for Hereditary pheochromocytoma and paraganglioma. Last evaluated: 2026-01-11. Review status: criteria provided, single submitter. Criteria: Invitae Variant Classification Sherloc (09022015). Collection method: clinical testing. Allele origin: germline.

Blueprint Genetics
Classification: Likely benign. Last evaluated: 2024-02-21. Review status: criteria provided, single submitter. Criteria: ACMG Guidelines, 2015. Collection method: clinical testing. Allele origin: germline.

Fulgent Genetics
Classification: Likely benign for Pheochromocytoma. Last evaluated: 2022-05-24. Review status: criteria provided, single submitter. Criteria: ACMG Guidelines, 2015. Collection method: clinical testing. Allele origin: unknown.

Ambry Genetics
Classification: Benign for Hereditary cancer-predisposing syndrome. Last evaluated: 2017-03-06. Review status: criteria provided, single submitter. Criteria: Ambry Variant Classification Scheme 2023. Collection method: clinical testing. Allele origin: germline.